The following is an entry in ClinVar:

ClinVar aggregate classification (germline): Uncertain significance (1 of 4 stars; one submission).

Conditions:
SIM1-related disorder. Also called: SIM1-related disorders; SIM1-related condition.

gnomAD v4.1: 3 of 1,614,126 alleles (0.00019%); highest among the groups gnomAD compares: East Asian, 0.0022%; no homozygotes.

Submission:

PreventionGenetics, part of Exact Sciences
Classification: Uncertain significance for SIM1-related condition. Last evaluated: 2025-05-09. Review status: criteria provided, single submitter. Criteria: ACMG Guidelines, 2015. Collection method: clinical testing. Allele origin: germline.
Comment: The SIM1 c.499G>A variant is predicted to result in the amino acid substitution p.Val167Ile. To our knowledge, this variant has not been reported in the literature or in a large population database (gnomAD), indicating this variant is rare. At this time, the clinical significance of this variant is uncertain due to the absence of conclusive functional and genetic evidence.

NM_005068.3(SIM1):c.499G>A (p.Val167Ile)

Gene: SIM1 (SIM bHLH transcription factor 1; minus strand). Cytogenetic location: 6q16.3.
Variant type: single nucleotide variant.
Coding change: c.499G>A on transcript NM_005068.3 (MANE Select); coding-DNA position 499, G replaced by A.
Protein change: p.Val167Ile; replaces valine 167 with isoleucine.
Molecular consequence: missense variant.
Genome position (GRCh38, 1-based): chr6:100,449,407, C>T on the plus strand (G>A on the coding strand, the complement: SIM1 is on the minus strand). VCF-style: chr6-100449407-C-T. GRCh37 (hg19) VCF-style: chr6-100897283-C-T.
Other names: c.499G>A, p.Val167Ile (NM_001374769.1); short protein forms V167I.
Identifiers: ClinVar variation 4986416 (VCV004986416.1).